The following is an entry in ClinVar:

ClinVar aggregate classification (germline): Uncertain significance. Review status: criteria provided, multiple submitters, no conflicts (2 of 4 stars). 3 submissions from 3 submitters: Uncertain significance (3). Last evaluated 2025-12-09.

gnomAD v4.1: 18 of 1,613,804 alleles (0.0011%); highest among the groups gnomAD compares: Non-Finnish European, 0.0014%; no homozygotes.

Submissions (3):

Ambry Genetics
Classification: Uncertain significance. Last evaluated: 2025-12-09. Review status: criteria provided, single submitter. Criteria: Ambry Variant Classification Scheme 2023. Collection method: clinical testing. Allele origin: germline.

Labcorp Genetics (formerly Invitae), Labcorp
Classification: Uncertain significance. Last evaluated: 2025-02-09. Review status: criteria provided, single submitter. Criteria: Invitae Variant Classification Sherloc (09022015). Collection method: clinical testing. Allele origin: germline.
Comment: This sequence change replaces arginine, which is basic and polar, with histidine, which is basic and polar, at codon 526 of the APPL1 protein (p.Arg526His). This variant is present in population databases (rs551759110, gnomAD 0.003%). This variant has not been reported in the literature in individuals affected with APPL1-related conditions. Invitae Evidence Modeling of protein sequence and biophysical properties (such as structural, functional, and spatial information, amino acid conservation, physicochemical variation, residue mobility, and thermodynamic stability) has been performed for this missense variant. However, the output from this modeling did not meet the statistical confidence thresholds required to predict the impact of this variant on APPL1 protein function. In summary, the available evidence is currently insufficient to determine the role of this variant in disease. Therefore, it has been classified as a Variant of Uncertain Significance.

Blueprint Genetics
Classification: Uncertain significance. Last evaluated: 2020-11-24. Review status: criteria provided, single submitter. Criteria: ACMG Guidelines, 2015. Collection method: clinical testing. Allele origin: germline.

NM_012096.3(APPL1):c.1577G>A (p.Arg526His)

Gene: APPL1 (adaptor protein, phosphotyrosine interacting with PH domain and leucine zipper 1; plus strand). Cytogenetic location: 3p14.3.
Variant type: single nucleotide variant.
Coding change: c.1577G>A on transcript NM_012096.3 (MANE Select); coding-DNA position 1577, G replaced by A.
Protein change: p.Arg526His; replaces arginine 526 with histidine.
Molecular consequence: missense variant.
Genome position (GRCh38, 1-based): chr3:57,259,938, G>A. VCF-style: chr3-57259938-G-A. GRCh37 (hg19) VCF-style: chr3-57293966-G-A.
Other names: short protein forms R526H.
Identifiers: ClinVar variation 4641813 (VCV004641813.3).